The following is an entry in ClinVar:

ClinVar aggregate classification (germline): Likely benign (1 of 4 stars; one submission).

Allele frequency attached by ClinVar (database versions not stated): gnomAD 0.00001; TOPMed 0.00001; ExAC 0.00006; 1000 Genomes Project 30x 0.00016; 1000 Genomes Project 0.00020.
gnomAD v4.1: 17 of 1,551,322 alleles (0.0011%); highest among the groups gnomAD compares: Middle Eastern, 0.017%; no homozygotes.

Submission:

CeGaT Center for Human Genetics Tuebingen
Classification: Likely benign. Last evaluated: 2022-07-01. Review status: criteria provided, single submitter. Criteria: CeGaT Center For Human Genetics Tuebingen Variant Classification Criteria Version 2. Collection method: clinical testing. Allele origin: germline. Affected: yes. Observed: 1 variant allele.
Comment: GARIN5B: BP4, BP7

NM_001145402.2(GARIN5B):c.1686C>T (p.Gly562=)

Gene: GARIN5B (golgi associated RAB2 interactor family member 5B; minus strand). Cytogenetic location: 19q13.42.
Variant type: single nucleotide variant.
Coding change: c.1686C>T on transcript NM_001145402.2 (MANE Select); coding-DNA position 1686, C replaced by T.
Protein change: p.Gly562=; no amino-acid change (glycine 562 retained).
Molecular consequence: synonymous variant.
Genome position (GRCh38, 1-based): chr19:55,359,182, G>A on the plus strand (C>T on the coding strand, the complement: GARIN5B is on the minus strand). VCF-style: chr19-55359182-G-A. GRCh37 (hg19) VCF-style: chr19-55870550-G-A.
Identifiers: ClinVar variation 2650520 (VCV002650520.24), dbSNP rs537757899, ClinGen allele CA9673893.